The following is an entry in ClinVar:

NM_000890.5(KCNJ5):c.415G>A (p.Ala139Thr)

Gene: KCNJ5 (potassium inwardly rectifying channel subfamily J member 5; plus strand). Cytogenetic location: 11q24.3.
Variant type: single nucleotide variant.
Coding change: c.415G>A on transcript NM_000890.5 (MANE Select); coding-DNA position 415, G replaced by A.
Protein change: p.Ala139Thr; replaces alanine 139 with threonine.
Molecular consequence: missense variant.
Genome position (GRCh38, 1-based): chr11:128,911,688, G>A. VCF-style: chr11-128911688-G-A. GRCh37 (hg19) VCF-style: chr11-128781583-G-A.
Other names: c.415G>A (NM_000890.3); c.415G>A, p.Ala139Thr (NM_001354169.2); short protein forms A139T.
Identifiers: ClinVar variation 1008840 (VCV001008840.9), dbSNP rs201816501, ClinGen allele CA6357869.

ClinVar aggregate classification (germline): Conflicting classifications of pathogenicity. Review status: criteria provided, conflicting classifications (1 of 4 stars). 2 submissions from 2 submitters: Uncertain significance (1); Likely benign (1). Last evaluated 2025-08-18.

Conditions:
Cardiovascular phenotype. Identifiers: MedGen CN230736.
Long QT syndrome (LQTS). Identifiers: MedGen C0023976, MeSH D008133, MONDO:0002442. Disease mechanism: loss of function. Inheritance: Various modes of inheritance.

Allele frequency attached by ClinVar (database versions not stated): gnomAD 0.00001 and 0.00002; gnomAD exomes 0.00001 and 0.00002; TOPMed 0.00001; ExAC 0.00002; 1000 Genomes Project 30x 0.00016; 1000 Genomes Project 0.00020.
gnomAD v4.1: 16 of 1,614,198 alleles (0.00099%); highest among the groups gnomAD compares: East Asian, 0.0067%; no homozygotes.

Submissions (2):

Ambry Genetics
Classification: Likely benign for Cardiovascular phenotype. Last evaluated: 2025-08-18. Review status: criteria provided, single submitter. Criteria: Ambry Variant Classification Scheme 2023. Collection method: clinical testing. Allele origin: germline.

Labcorp Genetics (formerly Invitae), Labcorp
Classification: Uncertain significance for Long QT syndrome. Last evaluated: 2025-01-08. Review status: criteria provided, single submitter. Criteria: Invitae Variant Classification Sherloc (09022015). Collection method: clinical testing. Allele origin: germline.
Comment: This sequence change replaces alanine, which is neutral and non-polar, with threonine, which is neutral and polar, at codon 139 of the KCNJ5 protein (p.Ala139Thr). This variant is present in population databases (rs201816501, gnomAD 0.02%). This variant has not been reported in the literature in individuals affected with KCNJ5-related conditions. ClinVar contains an entry for this variant (Variation ID: 1008840). Invitae Evidence Modeling of protein sequence and biophysical properties (such as structural, functional, and spatial information, amino acid conservation, physicochemical variation, residue mobility, and thermodynamic stability) has been performed for this missense variant. However, the output from this modeling did not meet the statistical confidence thresholds required to predict the impact of this variant on KCNJ5 protein function. In summary, the available evidence is currently insufficient to determine the role of this variant in disease. Therefore, it has been classified as a Variant of Uncertain Significance.